The following is an entry in ClinVar:

ClinVar aggregate classification (germline): Pathogenic (1 of 4 stars; one submission).

Submission:

GeneDx
Classification: Pathogenic. Last evaluated: 2024-12-17. Review status: criteria provided, single submitter. Criteria: GeneDx Variant Classification Process June 2021. Collection method: clinical testing. Allele origin: germline. Affected: yes.
Comment: Reported as a de novo variant in an individual from a large cohort of patients with autism spectrum disorder (PMID: 31452935); Frameshift variant predicted to result in protein truncation or nonsense mediated decay in a gene for which loss of function is a known mechanism of disease; Not observed at significant frequency in large population cohorts (gnomAD); This variant is associated with the following publications: (PMID: 35982159, 35982160, 31452935)

NM_001378120.1(MBD5):c.2013_2016del (p.Arg671fs)

Gene: MBD5 (methyl-CpG binding domain protein 5; plus strand). Cytogenetic location: 2q23.1.
Variant type: Deletion.
Coding change: c.2013_2016del on transcript NM_001378120.1 (MANE Select); coding-DNA positions 2013 to 2016, 4 bases deleted (ACAG; older notation c.2013_2016delACAG).
Protein change: p.Arg671fs; shifts the reading frame from arginine 671.
Molecular consequence: frameshift variant.
Genome position (GRCh38, 1-based): chr2:148,469,956-148,469,959, ACAG deleted; deleting any 4 consecutive bases within chr2:148,469,953-148,469,959 gives the same sequence; the c. name uses the placement nearest the transcript's 3' end. VCF-style (leftmost placement, unchanged base first): chr2-148469952-TCAGA-T. GRCh37 (hg19) VCF-style: chr2-149227521-TCAGA-T.
Other names: c.2013_2016del, p.Arg671fs (NM_018328.5); short protein forms R671fs.
Identifiers: ClinVar variation 3906497 (VCV003906497.1).